The following is an entry in ClinVar:

ClinVar aggregate classification (germline): Likely benign (0 of 4 stars; one submission).

Conditions:
WNK4-related disorder. Also called: WNK4-related condition.

Allele frequency attached by ClinVar (database versions not stated): gnomAD exomes 0.00001.
gnomAD v4.1: 7 of 1,614,184 alleles (0.00043%); highest among the groups gnomAD compares: Non-Finnish European, 0.00059%; no homozygotes.

Submission:

PreventionGenetics, part of Exact Sciences
Classification: Likely benign for WNK4-related condition. Last evaluated: 2022-10-04. Review status: no assertion criteria provided. Collection method: clinical testing. Allele origin: germline.
Comment: This variant is classified as likely benign based on ACMG/AMP sequence variant interpretation guidelines (Richards et al. 2015 PMID: 25741868, with internal and published modifications).

NM_032387.5(WNK4):c.1911C>T (p.Ser637=)

Gene: WNK4 (WNK lysine deficient protein kinase 4; plus strand). Cytogenetic location: 17q21.2.
Variant type: single nucleotide variant.
Coding change: c.1911C>T on transcript NM_032387.5 (MANE Select); coding-DNA position 1911, C replaced by T.
Protein change: p.Ser637=; no amino-acid change (serine 637 retained).
Molecular consequence: synonymous variant.
Genome position (GRCh38, 1-based): chr17:42,788,177, C>T. VCF-style: chr17-42788177-C-T. GRCh37 (hg19) VCF-style: chr17-40940195-C-T.
Other names: c.903C>T, p.Ser301= (NM_001321299.2).
Identifiers: ClinVar variation 3051744 (VCV003051744.2), dbSNP rs2544010023, ClinGen allele CA500105394.